The following is an entry in ClinVar:

NM_014208.3(DSPP):c.428T>C (p.Ile143Thr)

Genes: DMP1-AS1 (DMP1 and DSPP antisense RNA 1; minus strand), DSPP (dentin sialophosphoprotein; plus strand). Cytogenetic location: 4q22.1.
Variant type: single nucleotide variant.
Coding change: c.428T>C on transcript NM_014208.3 (MANE Select); coding-DNA position 428, T replaced by C.
Protein change: p.Ile143Thr; replaces isoleucine 143 with threonine.
Molecular consequence: missense variant.
Genome position (GRCh38, 1-based): chr4:87,612,614, T>C. VCF-style: chr4-87612614-T-C. GRCh37 (hg19) VCF-style: chr4-88533766-T-C.
Other names: short protein forms I143T.
Identifiers: ClinVar variation 2212650 (VCV002212650.4), dbSNP rs764136654, ClinGen allele CA3000894.

ClinVar aggregate classification (germline): Conflicting classifications of pathogenicity. Review status: criteria provided, conflicting classifications (1 of 4 stars). 3 submissions from 3 submitters: Uncertain significance (2); Likely benign (1). Last evaluated 2026-01-03.

Conditions:
DSPP-related disorder. Also called: DSPP-related condition.
Inborn genetic diseases. Identifiers: MedGen C0950123, MeSH D030342.

Allele frequency attached by ClinVar (database versions not stated): gnomAD 0.00001; gnomAD exomes 0.00002; TOPMed 0.00003; ExAC 0.00009.

Submissions (3):

Labcorp Genetics (formerly Invitae), Labcorp
Classification: Uncertain significance. Last evaluated: 2026-01-03. Review status: criteria provided, single submitter. Criteria: Invitae Variant Classification Sherloc (09022015). Collection method: clinical testing. Allele origin: germline.
Comment: This sequence change replaces isoleucine, which is neutral and non-polar, with threonine, which is neutral and polar, at codon 143 of the DSPP protein (p.Ile143Thr). This variant is present in population databases (rs764136654, gnomAD 0.07%), and has an allele count higher than expected for a pathogenic variant. This variant has not been reported in the literature in individuals affected with DSPP-related conditions. ClinVar contains an entry for this variant (Variation ID: 2212650). An algorithm developed to predict the effect of missense changes on protein structure and function outputs the following: PolyPhen-2: "Benign". The threonine amino acid residue is found in multiple mammalian species, which suggests that this missense change does not adversely affect protein function. In summary, the available evidence is currently insufficient to determine the role of this variant in disease. Therefore, it has been classified as a Variant of Uncertain Significance.

PreventionGenetics, part of Exact Sciences
Classification: Likely benign for DSPP-related condition. Last evaluated: 2025-11-10. Review status: criteria provided, single submitter. Criteria: ACMG Guidelines, 2015. Collection method: clinical testing. Allele origin: germline.
Comment: This variant is classified as likely benign based on ACMG/AMP sequence variant interpretation guidelines (Richards et al. 2015 PMID: 25741868, with internal and published modifications).

Ambry Genetics
Classification: Uncertain significance for Inborn genetic diseases. Last evaluated: 2022-06-29. Review status: criteria provided, single submitter. Criteria: Ambry Variant Classification Scheme 2023. Collection method: clinical testing. Allele origin: germline.